The following is an entry in ClinVar:

ClinVar aggregate classification (germline): Conflicting classifications of pathogenicity. Review status: criteria provided, conflicting classifications (1 of 4 stars). 2 submissions from 2 submitters: Uncertain significance (1); Likely benign (1). Last evaluated 2024-12-19.

Conditions:
Hereditary cancer-predisposing syndrome. Also called: Neoplastic Syndromes, Hereditary; Tumor predisposition; Hereditary Cancer Syndrome; Hereditary neoplastic syndrome. Identifiers: Orphanet 140162, MedGen C0027672, MeSH D009386, MONDO:0015356.
Familial meningioma. Also called: Meningioma, familial, susceptibility to. Identifiers: Orphanet 263662, MedGen C3551915, MONDO:0011789, OMIM 607174.

gnomAD v4.1: 4 of 1,613,314 alleles (0.00025%); highest among the groups gnomAD compares: Non-Finnish European, 0.00034%; no homozygotes.

Submissions (2):

Labcorp Genetics (formerly Invitae), Labcorp
Classification: Uncertain significance for Familial meningioma. Last evaluated: 2024-12-19. Review status: criteria provided, single submitter. Criteria: Invitae Variant Classification Sherloc (09022015). Collection method: clinical testing. Allele origin: germline.
Comment: This sequence change replaces histidine, which is basic and polar, with glutamine, which is neutral and polar, at codon 346 of the SMARCE1 protein (p.His346Gln). This variant is not present in population databases (gnomAD no frequency). This variant has not been reported in the literature in individuals affected with SMARCE1-related conditions. ClinVar contains an entry for this variant (Variation ID: 650822). Invitae Evidence Modeling of protein sequence and biophysical properties (such as structural, functional, and spatial information, amino acid conservation, physicochemical variation, residue mobility, and thermodynamic stability) indicates that this missense variant is not expected to disrupt SMARCE1 protein function with a negative predictive value of 80%. In summary, the available evidence is currently insufficient to determine the role of this variant in disease. Therefore, it has been classified as a Variant of Uncertain Significance.

Ambry Genetics
Classification: Likely benign for Hereditary cancer-predisposing syndrome. Last evaluated: 2022-08-03. Review status: criteria provided, single submitter. Criteria: Ambry Variant Classification Scheme 2023. Collection method: clinical testing. Allele origin: germline.

NM_003079.5(SMARCE1):c.1038C>G (p.His346Gln)

Gene: SMARCE1 (SWI/SNF related BAF chromatin remodeling complex subunit E1; minus strand). Cytogenetic location: 17q21.2.
Variant type: single nucleotide variant.
Coding change: c.1038C>G on transcript NM_003079.5 (MANE Select); coding-DNA position 1038, C replaced by G.
Protein change: p.His346Gln; replaces histidine 346 with glutamine.
Molecular consequence: missense variant.
Genome position (GRCh38, 1-based): chr17:40,628,983, G>C on the plus strand (C>G on the coding strand, the complement: SMARCE1 is on the minus strand). VCF-style: chr17-40628983-G-C. GRCh37 (hg19) VCF-style: chr17-38785235-G-C.
Other names: short protein forms H346Q.
Identifiers: ClinVar variation 650822 (VCV000650822.13), dbSNP rs1597741306, ClinGen allele CA399361812.